The following is an entry in ClinVar:

ClinVar aggregate classification (germline): Benign. Review status: criteria provided, multiple submitters, no conflicts (2 of 4 stars). 3 submissions from 3 submitters: Benign (3). Last evaluated 2018-06-14.

Conditions:
Maturity-onset diabetes of the young (MODY). Also called: Maturity onset diabetes mellitus in young. Identifiers: Orphanet 552, MedGen C0342276, MONDO:0018911, HP:0004904.

Allele frequency attached by ClinVar (database versions not stated): 1000 Genomes Project 0.09904; 1000 Genomes Project 30x 0.10275; gnomAD 0.15071 and 0.15252; TOPMed 0.15311; gnomAD exomes 0.18754.
gnomAD v4.1: 288,924 of 1,574,572 alleles (18%); highest among the groups gnomAD compares: Non-Finnish European, 21%; 28,715 homozygotes.

Submissions (3):

GeneDx
Classification: Benign. Last evaluated: 2018-06-14. Review status: criteria provided, single submitter. Criteria: GeneDx Variant Classification (06012015). Collection method: clinical testing. Allele origin: germline. Affected: yes.
Comment: This variant is considered likely benign or benign based on one or more of the following criteria: it is a conservative change, it occurs at a poorly conserved position in the protein, it is predicted to be benign by multiple in silico algorithms, and/or has population frequency not consistent with disease.

Breakthrough Genomics
Classification: Benign. Review status: criteria provided, single submitter. Criteria: ACMG Guidelines, 2015. Collection method: not provided. Allele origin: germline. Inheritance: Autosomal dominant inheritance. Affected: yes.

Clinical Genomics, Uppaluri K&H Personalized Medicine Clinic
Classification: Benign for Maturity-onset diabetes of the young. Review status: criteria provided, single submitter. Criteria: K & H Uppaluri Personalized Medicine Clinic Variant Classification & Assertion Criteria_Updated V.1. Collection method: research. Allele origin: unknown. Inheritance: Autosomal dominant inheritance.
Comment: Potent mutations in HNF4A are associated with poor insulin secretion in response to hyperglycemia. Associated with MODY1. Patients initially respond well to sulfonylureas but eventually become insulin dependent. However, more evidence is required to ascertain the role of this particular variant rs3212194 in MODY, yet.

Literature cited by the submitters: DOI 10.1159/000334532 (cited by Clinical Genomics, Uppaluri K&H Personalized Medicine Clinic); PubMed 18268044 (cited by Clinical Genomics, Uppaluri K&H Personalized Medicine Clinic); PubMed 17563455 (cited by Clinical Genomics, Uppaluri K&H Personalized Medicine Clinic); PubMed 32583173 (cited by Clinical Genomics, Uppaluri K&H Personalized Medicine Clinic); PubMed 35052457 (cited by Clinical Genomics, Uppaluri K&H Personalized Medicine Clinic); PubMed 35118593 (cited by Clinical Genomics, Uppaluri K&H Personalized Medicine Clinic).

NM_175914.5(HNF4A):c.427-96C>G

Gene: HNF4A (hepatocyte nuclear factor 4 alpha; plus strand). Cytogenetic location: 20q13.12.
Variant type: single nucleotide variant.
Coding change: c.427-96C>G on transcript NM_175914.5 (MANE Select); 96 bases into the intron before coding-DNA position 427, C replaced by G.
Molecular consequence: intron variant.
Genome position (GRCh38, 1-based): chr20:44,414,411, C>G. VCF-style: chr20-44414411-C-G. GRCh37 (hg19) VCF-style: chr20-43043051-C-G.
Other names: c.418-96C>G (NM_001287182.2, NM_001287183.2, NM_001287184.2); c.427-96C>G (NM_001030003.3, NM_001030004.3); c.472-96C>G (NM_001258355.2); c.493-96C>G (NM_178849.3, NM_000457.6, NM_178850.3).
Identifiers: ClinVar variation 674363 (VCV000674363.3), dbSNP rs3212194, ClinGen allele CA14798801.
Genomic context (GRCh38, chr20:44,414,411, plus strand): 5'-CTCCGTTTTTACCCTGAGCTTCCTTCAGAGCTGGAGGGCACCCACTATCCAGCCCCCTCC[C>G]CACATCTGATTCCAGGGAGGGGGCTCTGTGCAGGGGACAGAGAGTGCGGGAGGGCCCGGA-3'